The following is an entry in ClinVar:

ClinVar aggregate classification (germline): Likely benign (0 of 4 stars; one submission).

Conditions:
MRPS22-related disorder. Also called: MRPS22-related condition.

Allele frequency attached by ClinVar (database versions not stated): gnomAD 0.00001; TOPMed 0.00001.
gnomAD v4.1: 4 of 1,613,070 alleles (0.00025%); highest among the groups gnomAD compares: Admixed American, 0.0017%; no homozygotes.

Submission:

PreventionGenetics, part of Exact Sciences
Classification: Likely benign for MRPS22-related condition. Last evaluated: 2020-12-15. Review status: no assertion criteria provided. Collection method: clinical testing. Allele origin: germline.
Comment: This variant is classified as likely benign based on ACMG/AMP sequence variant interpretation guidelines (Richards et al. 2015 PMID: 25741868, with internal and published modifications).

NM_020191.4(MRPS22):c.1030C>T (p.Leu344=)

Gene: MRPS22 (mitochondrial ribosomal protein S22; plus strand). Cytogenetic location: 3q23.
Variant type: single nucleotide variant.
Coding change: c.1030C>T on transcript NM_020191.4 (MANE Select); coding-DNA position 1030, C replaced by T.
Protein change: p.Leu344=; no amino-acid change (leucine 344 retained).
Molecular consequence: synonymous variant.
Genome position (GRCh38, 1-based): chr3:139,356,961, C>T. VCF-style: chr3-139356961-C-T. GRCh37 (hg19) VCF-style: chr3-139075803-C-T.
Other names: c.907C>T, p.Leu303= (NM_001363857.1); c.1027C>T, p.Leu343= (NM_001363893.1).
Identifiers: ClinVar variation 3029956 (VCV003029956.2), dbSNP rs1002509862, ClinGen allele CA83996481.
Genomic context (GRCh38, chr3:139,356,961, plus strand): 5'-TCTTTTTAATTTAAACAGGTCTTTGCAAAAACAGAAGCACAGAAGGGAGCCTATATAGAA[C>T]TAACACTGCAGACTTATCAAGAAGCACTCAGTCGCCATTCTGCAGCTTCCTAAAAATATT-3'
Protein context (NP_064576.1, residues 334-354): TEAQKGAYIE[Leu344=]TLQTYQEALS